The following is an entry in ClinVar:

ClinVar aggregate classification (germline): Benign/Likely benign. Review status: criteria provided, multiple submitters, no conflicts (2 of 4 stars). 13 submissions from 10 submitters: Benign (10); Likely benign (1). 2 of the submissions do not count toward it. Last evaluated 2026-02-03.

Conditions:
Congenital myopathy 18. Also called: Myopathy, congenital, due to dihydropyridine receptor defect; DIHYDROPYRIDINE RECEPTOR CONGENITAL MYOPATHY; DHPR CONGENITAL MYOPATHY. Identifiers: MedGen C5830283, MONDO:0859514, OMIM 620246.
Hypokalemic periodic paralysis, type 1. Also called: Hypokalemic Periodic Paralysis Type 1 (AD); HypoPP. Identifiers: Orphanet 681, MedGen C3714580, MONDO:0042979, OMIM 170400.
Malignant hyperthermia, susceptibility to, 5 (MHS5). Also called: CACNA1S-Related Malignant Hyperthermia Susceptibility. Identifiers: Orphanet 423, MedGen C1866077, MONDO:0011163, OMIM 601887.
Thyrotoxic periodic paralysis, susceptibility to, 1 (TTPP1). Identifiers: Orphanet 79102, MedGen C2749982, MONDO:0008570, OMIM 188580.

Allele frequency attached by ClinVar (database versions not stated): 1000 Genomes Project 0.00439; 1000 Genomes Project 30x 0.00484; TOPMed 0.01320; gnomAD exomes 0.01451; ESP Exome Variant Server 0.01507; gnomAD 0.01513 and 0.01583; ExAC 0.01527.
gnomAD v4.1: 30,432 of 1,535,186 alleles (2%); highest among the groups gnomAD compares: Non-Finnish European, 2.4%; 355 homozygotes.

Submissions (13):

Labcorp Genetics (formerly Invitae), Labcorp
Classification: Benign for Hypokalemic periodic paralysis, type 1; Malignant hyperthermia, susceptibility to, 5. Last evaluated: 2026-02-03. Review status: criteria provided, single submitter. Criteria: Invitae Variant Classification Sherloc (09022015). Collection method: clinical testing. Allele origin: germline.

ARUP Laboratories, Molecular Genetics and Genomics, ARUP Laboratories
Classification: Benign. Last evaluated: 2025-06-11. Review status: criteria provided, single submitter. Criteria: ARUP Molecular Germline Variant Investigation Process 2024. Collection method: clinical testing. Allele origin: germline.

Blueprint Genetics
Classification: Likely benign. Last evaluated: 2024-11-26. Review status: criteria provided, single submitter. Criteria: ACMG Guidelines, 2015. Collection method: clinical testing. Allele origin: germline.

Genome-Nilou Lab
Classification: Benign for Malignant hyperthermia, susceptibility to, 5. Last evaluated: 2023-04-11. Review status: criteria provided, single submitter. Criteria: ACMG Guidelines, 2015. Collection method: clinical testing. Allele origin: germline. Affected: no.

Genome-Nilou Lab
Classification: Benign for Thyrotoxic periodic paralysis, susceptibility to, 1. Last evaluated: 2023-04-11. Review status: criteria provided, single submitter. Criteria: ACMG Guidelines, 2015. Collection method: clinical testing. Allele origin: germline. Affected: no.

Genome-Nilou Lab
Classification: Benign for Congenital myopathy 18. Last evaluated: 2023-04-11. Review status: criteria provided, single submitter. Criteria: ACMG Guidelines, 2015. Collection method: clinical testing. Allele origin: germline. Affected: no.

Genome-Nilou Lab
Classification: Benign for Hypokalemic periodic paralysis, type 1. Last evaluated: 2023-04-11. Review status: criteria provided, single submitter. Criteria: ACMG Guidelines, 2015. Collection method: clinical testing. Allele origin: germline. Affected: no.

Fulgent Genetics
Classification: Benign for Hypokalemic periodic paralysis, type 1; Thyrotoxic periodic paralysis, susceptibility to, 1; Malignant hyperthermia, susceptibility to, 5. Last evaluated: 2021-08-02. Review status: criteria provided, single submitter. Criteria: ACMG Guidelines, 2015. Collection method: clinical testing. Allele origin: unknown.

GeneDx
Classification: Benign. Last evaluated: 2016-03-03. Review status: criteria provided, single submitter. Criteria: GeneDx Variant Classification (06012015). Collection method: clinical testing. Allele origin: germline. Affected: yes.
Comment: This variant is considered likely benign or benign based on one or more of the following criteria: it is a conservative change, it occurs at a poorly conserved position in the protein, it is predicted to be benign by multiple in silico algorithms, and/or has population frequency not consistent with disease.

Breakthrough Genomics
Classification: Benign. Review status: criteria provided, single submitter. Criteria: ACMG Guidelines, 2015. Collection method: not provided. Allele origin: germline. Inheritance: Autosomal dominant inheritance. Affected: yes.

PreventionGenetics, part of Exact Sciences
Classification: Benign. Review status: criteria provided, single submitter. Criteria: ACMG Guidelines, 2015. Collection method: clinical testing. Allele origin: germline.

Joint Genome Diagnostic Labs from Nijmegen and Maastricht, Radboudumc and MUMC+
Classification: Benign. Review status: no assertion criteria provided. Collection method: clinical testing. Allele origin: germline. Affected: yes. Study: VKGL Data-share Consensus. Not counted in ClinVar's aggregate classification.

Laboratory of Diagnostic Genome Analysis, Leiden University Medical Center (LUMC)
Classification: Likely benign. Review status: no assertion criteria provided. Collection method: clinical testing. Allele origin: germline. Affected: yes. Study: VKGL Data-share Consensus. Not counted in ClinVar's aggregate classification.

NM_000069.3(CACNA1S):c.3525+18C>T

Gene: CACNA1S (calcium voltage-gated channel subunit alpha1 S; minus strand). Cytogenetic location: 1q32.1.
Variant type: single nucleotide variant.
Coding change: c.3525+18C>T on transcript NM_000069.3 (MANE Select); 18 bases into the intron after coding-DNA position 3525, C replaced by T.
Molecular consequence: intron variant.
Genome position (GRCh38, 1-based): chr1:201,059,171, G>A on the plus strand (C>T on the coding strand, the complement: CACNA1S is on the minus strand). VCF-style: chr1-201059171-G-A. GRCh37 (hg19) VCF-style: chr1-201028299-G-A.
Identifiers: ClinVar variation 254826 (VCV000254826.18), dbSNP rs56021911, ClinGen allele CA082575.